The following is an entry in ClinVar:

NM_001853.4(COL9A3):c.934C>G (p.Pro312Ala)

Gene: COL9A3 (collagen type IX alpha 3 chain; plus strand). Cytogenetic location: 20q13.33.
Variant type: single nucleotide variant.
Coding change: c.934C>G on transcript NM_001853.4 (MANE Select); coding-DNA position 934, C replaced by G.
Protein change: p.Pro312Ala; replaces proline 312 with alanine.
Molecular consequence: missense variant.
Genome position (GRCh38, 1-based): chr20:62,828,797, C>G. VCF-style: chr20-62828797-C-G. GRCh37 (hg19) VCF-style: chr20-61460149-C-G.
Other names: short protein forms P312A.
Identifiers: ClinVar variation 3637717 (VCV003637717.2).

ClinVar aggregate classification (germline): Uncertain significance (1 of 4 stars; one submission).

Submission:

Labcorp Genetics (formerly Invitae), Labcorp
Classification: Uncertain significance. Last evaluated: 2024-08-19. Review status: criteria provided, single submitter. Criteria: Invitae Variant Classification Sherloc (09022015). Collection method: clinical testing. Allele origin: germline.
Comment: This sequence change replaces proline, which is neutral and non-polar, with alanine, which is neutral and non-polar, at codon 312 of the COL9A3 protein (p.Pro312Ala). This variant is not present in population databases (gnomAD no frequency). This variant has not been reported in the literature in individuals affected with COL9A3-related conditions. Invitae Evidence Modeling of protein sequence and biophysical properties (such as structural, functional, and spatial information, amino acid conservation, physicochemical variation, residue mobility, and thermodynamic stability) indicates that this missense variant is not expected to disrupt COL9A3 protein function with a negative predictive value of 95%. In summary, the available evidence is currently insufficient to determine the role of this variant in disease. Therefore, it has been classified as a Variant of Uncertain Significance.